The following is an entry in ClinVar:

ClinVar aggregate classification (germline): Uncertain significance (1 of 4 stars; one submission).

Conditions:
Cardiovascular phenotype. Identifiers: MedGen CN230736.

gnomAD v4.1: 1 of 1,549,756 alleles (0.000065%); highest among the groups gnomAD compares: Non-Finnish European, 0.000087%; no homozygotes.

Submission:

Ambry Genetics
Classification: Uncertain significance for Cardiovascular phenotype. Last evaluated: 2026-07-21. Review status: criteria provided, single submitter. Criteria: Ambry Variant Classification Scheme 2023. Collection method: clinical testing. Allele origin: germline.
Comment: The p.C3000S variant (also known as c.8999G>C), located in coding exon 2 of the ZNF469 gene, results from a G to C substitution at nucleotide position 8999. The cysteine at codon 3000 is replaced by serine, an amino acid with dissimilar properties. This amino acid position is conserved. In addition, this alteration is predicted to be tolerated by in silico analysis. Based on the available evidence, the clinical significance of this variant remains unclear.

NM_001367624.2(ZNF469):c.9083G>C (p.Cys3028Ser)

Gene: ZNF469 (zinc finger protein 469; plus strand). Cytogenetic location: 16q24.2.
Variant type: single nucleotide variant.
Coding change: c.9083G>C on transcript NM_001367624.2 (MANE Select); coding-DNA position 9083, G replaced by C.
Protein change: p.Cys3028Ser; replaces cysteine 3028 with serine.
Molecular consequence: missense variant.
Genome position (GRCh38, 1-based): chr16:88,436,553, G>C. VCF-style: chr16-88436553-G-C. GRCh37 (hg19) VCF-style: chr16-88502961-G-C.
Other names: NM_001127464.1:c.8999G>C; short protein forms C3028S.
Identifiers: ClinVar variation 5032229 (VCV005032229.1).